The following is an entry in ClinVar:

ClinVar aggregate classification (germline): Uncertain significance (1 of 4 stars; one submission).

Conditions:
Landau-Kleffner syndrome (FESD). Also called: APHASIA, ACQUIRED, WITH EPILEPSY; EPILEPSY, FOCAL, WITH SPEECH DISORDER AND WITH OR WITHOUT MENTAL RETARDATION. Identifiers: Orphanet 1945, Orphanet 725, Orphanet 98818, MedGen C0282512, MONDO:0009509, OMIM 245570.

Submission:

Institute of Human Genetics, University of Leipzig Medical Center
Classification: Uncertain significance for Landau-Kleffner syndrome. Last evaluated: 2023-04-18. Review status: criteria provided, single submitter. Criteria: ACMG Guidelines, 2015. Collection method: clinical testing. Allele origin: paternal. Inheritance: Autosomal dominant inheritance. Affected: yes.
Comment: Criteria applied: PM2_SUP

NM_001134407.3(GRIN2A):c.2844del (p.Gln950fs)

Gene: GRIN2A (glutamate ionotropic receptor NMDA type subunit 2A; minus strand). Cytogenetic location: 16p13.2.
Variant type: Deletion.
Coding change: c.2844del on transcript NM_001134407.3 (MANE Select); coding-DNA position 2844, one base deleted (C; older notation c.2844delC).
Protein change: p.Gln950fs; shifts the reading frame from glutamine 950.
Molecular consequence: frameshift variant.
Genome position (GRCh38, 1-based): chr16:9,764,700, G deleted on the plus strand (C on the coding strand, the reverse complement: GRIN2A is on the minus strand); the first of 2 consecutive G bases (chr16:9,764,700-9,764,701); deleting either gives the same sequence. VCF-style (leftmost placement, unchanged base first): chr16-9764699-AG-A. GRCh37 (hg19) VCF-style: chr16-9858556-AG-A.
Other names: c.2844del, p.Gln950fs (NM_000833.5, NM_001134408.2); short protein forms Q950fs.
Identifiers: ClinVar variation 2502368 (VCV002502368.4), dbSNP rs2505970970, ClinGen allele CA2580613421.
Genomic context (GRCh38, chr16:9,764,699, plus strand): 5'-TGGCCACAAATGTTTGGAGTTCGTTCATGTTGTCTCCAAAAATGCTCTCTTTCCCCTGAA[AG>A]GACCTGTTGTCTGAGTACATCAAATTCCCCTTATCTGAAACCATGTCCATGATGAGGGAA-3'